The following is an entry in ClinVar:

ClinVar aggregate classification (germline): Likely pathogenic. Review status: reviewed by expert panel (3 of 4 stars). 2 submissions from 2 submitters: Likely pathogenic (1). 1 of the submissions does not count toward it. Last evaluated 2025-04-07.

Conditions:
Mucopolysaccharidosis type 1. Also called: IDUA deficiency; MPS I; Mucopolysaccharidosis Type I. Identifiers: Orphanet 579, MedGen C0023786, MONDO:0001586.

Submissions (2):

ClinGen Lysosomal Storage Disorder Variant Curation Expert Panel
Classification: Likely pathogenic for Mucopolysaccharidosis type 1. Last evaluated: 2025-04-07. Review status: reviewed by expert panel. Criteria: ClinGen LSD ACMG Specifications IDUA V1.0.0. Collection method: curation. Allele origin: germline. Inheritance: Autosomal recessive inheritance.
Comment: The NM_000203.5: c.156C>A variant in IDUA is a missense variant predicted to cause substitution of phenylalanine by Leucine at amino acid 52 (p.Phe52Leu). This variant has been detected in at least one individual with MPS I. This individual is compound heterozygous for the variant and c.1037T>G p.(Leu346Arg), which is classified as likely pathogenic by the ClinGen Lysosomal Diseases VCEP (PMID 21480867, phase confirmed in trans, 1 point) (PM3). This individual has documented IDUA deficiency within the affected range (0.2 nmol/h/mg, reference range 27.2-52), increased excretion of urinary dermatan sulfate and heparin sulfate, and clinical features specific to MPS I including hepatosplenomegaly, joint stiffness and airway obstruction (PMID 21480867) (PP4_moderate). This variant is absent in gnomAD v4.1.0. (PM2_Supporting). The computational predictor REVEL gives a score of 0.669 which is in the range 0.644-0.773, evidence that correlates with impact to IDUA function at the supporting level (PMID: 36413997) (PP3_supporting). Another variant resulting in the same missense change (c.156C>G, p.Phe52Leu) is in ClinVar (Variation ID: 554280) with a low frequency in gnomAD; reported in Abdulelah et al, Iraqi J Pharm Sci, Vol.33(4) 2024). This variant has not yet been classified by the ClinGen LD VCEP. There is no ClinVar entry for this variant. In summary, this variant meets the criteria to be classified as likely pathogenic for MPS I based on the IDUA-specific ACMG/AMP criteria applied, as specified by the ClinGen Lysosomal Diseases Variant Curation Expert panel (Specifications Version 1.0.0.): PM3, PP4_moderate, PP3, PM2_supporting. (Classification approved by the ClinGen Lysosomal Diseases Variant Curation Expert Panel on April 7, 2025)

Natera, Inc.
Classification: Likely pathogenic for Mucopolysaccharidosis type I. Last evaluated: 2024-02-27. Review status: criteria provided, single submitter. Criteria: Natera Variant Classification Schema (03/2026). Collection method: clinical testing. Allele origin: germline. Not counted in ClinVar's aggregate classification.
Comment: The c.156C>A variant in IDUA is a missense variant predicted to cause substitution of phenylalanine to leucine at amino acid 52. This variant is rare in the general population with a frequency below the threshold expected for the associated phenotype(s). This variant has been observed in one or more individuals affected with the associated recessive disease, as either homozygous or compound heterozygous with a second variant (PMID: 21480867). This variant has been identified in one or more affected individual with a phenotype highly consistent with the associated gene (PMID: 21480867). Computational prediction algorithms indicate this variant is likely to affect gene or protein function. Given the available evidence, this variant is classified as Likely Pathogenic.

Literature cited by the submitters: PubMed 21480867 (cited by Natera, Inc.).

NM_000203.5(IDUA):c.156C>A (p.Phe52Leu)

Genes: IDUA (alpha-L-iduronidase; plus strand), SLC26A1 (solute carrier family 26 member 1; minus strand). Cytogenetic location: 4p16.3.
Variant type: single nucleotide variant.
Coding change: c.156C>A on transcript NM_000203.5 (MANE Select); coding-DNA position 156, C replaced by A.
Protein change: p.Phe52Leu; replaces phenylalanine 52 with leucine.
Molecular consequence: missense variant. On other transcripts: non-coding transcript variant (1), intron variant (1).
Genome position (GRCh38, 1-based): chr4:987,240, C>A. VCF-style: chr4-987240-C-A. GRCh37 (hg19) VCF-style: chr4-981028-C-A.
Other names: NM_134425.4:c.576+3888G>T; c.576+3888G>T (NM_134425.4); short protein forms F52L.
Identifiers: ClinVar variation 3906898 (VCV003906898.1).